The following is an entry in ClinVar:

ClinVar aggregate classification (germline): Benign/Likely benign. Review status: criteria provided, multiple submitters, no conflicts (2 of 4 stars). 3 submissions from 3 submitters: Benign (1); Likely benign (2). Last evaluated 2026-07-01.

Allele frequency attached by ClinVar (database versions not stated): ExAC 0.00124; gnomAD 0.00411 and 0.00448; 1000 Genomes Project 0.00439; 1000 Genomes Project 30x 0.00453; TOPMed 0.00466; ESP Exome Variant Server 0.00546.
gnomAD v4.1: 1,218 of 1,604,730 alleles (0.076%); highest among the groups gnomAD compares: African/African-American, 1.5%; 10 homozygotes.

Submissions (6):

CeGaT Center for Human Genetics Tuebingen
Classification: Likely benign. Last evaluated: 2026-07-01. Review status: criteria provided, single submitter. Criteria: CeGaT Center For Human Genetics Tuebingen Variant Classification Criteria Version 2. Collection method: clinical testing. Allele origin: germline. Affected: yes. Observed: 2 variant alleles.
Comment: FAN1: BP4, BS1

Labcorp Genetics (formerly Invitae), Labcorp
Classification: Benign. Last evaluated: 2025-11-28. Review status: criteria provided, single submitter. Criteria: Invitae Variant Classification Sherloc (09022015). Collection method: clinical testing. Allele origin: germline.

Blueprint Genetics
Classification: Likely benign. Last evaluated: 2024-11-25. Review status: criteria provided, single submitter. Criteria: ACMG Guidelines, 2015. Collection method: clinical testing. Allele origin: germline.

Dr. Peter K. Rogan Lab, Western University
No classification provided (evidence only). Condition: Uterine corpus endometrial carcinoma. Review status: no classification provided. Collection method: in vitro. Allele origin: not applicable. Functional consequence: retained intron. Not counted in ClinVar's aggregate classification.

Dr. Peter K. Rogan Lab, Western University
No classification provided (evidence only). Condition: Uterine corpus endometrial carcinoma. Review status: no classification provided. Collection method: in vitro. Allele origin: not applicable. Functional consequence: retained intron. Not counted in ClinVar's aggregate classification.

Dr. Peter K. Rogan Lab, Western University
No classification provided (evidence only). Condition: Malignant tumor of esophagus. Review status: no classification provided. Collection method: in vitro. Allele origin: not applicable. Functional consequence: retained intron. Not counted in ClinVar's aggregate classification.

NM_014967.5(FAN1):c.2917-7T>G

Genes: MTMR10 (myotubularin related protein 10; minus strand), FAN1 (FANCD2 and FANCI associated nuclease 1; plus strand). Cytogenetic location: 15q13.3.
Variant type: single nucleotide variant.
Coding change: c.2917-7T>G on transcript NM_014967.5 (MANE Select); 7 bases into the intron before coding-DNA position 2917, T replaced by G.
Molecular consequence: intron variant.
Genome position (GRCh38, 1-based): chr15:30,937,112, T>G. VCF-style: chr15-30937112-T-G. GRCh37 (hg19) VCF-style: chr15-31229315-T-G.
Identifiers: ClinVar variation 710049 (VCV000710049.33), dbSNP rs111839000, ClinGen allele CA7450827.